The following is an entry in ClinVar:

ClinVar aggregate classification (germline): Uncertain significance (1 of 4 stars; one submission).

Allele frequency attached by ClinVar (database versions not stated): TOPMed below 0.00001.

Submission:

Labcorp Genetics (formerly Invitae), Labcorp
Classification: Uncertain significance. Last evaluated: 2022-07-06. Review status: criteria provided, single submitter. Criteria: Invitae Variant Classification Sherloc (09022015). Collection method: clinical testing. Allele origin: germline.
Comment: This variant has not been reported in the literature in individuals affected with IL12RB2-related conditions. This sequence change replaces alanine, which is neutral and non-polar, with threonine, which is neutral and polar, at codon 621 of the IL12RB2 protein (p.Ala621Thr). This variant is not present in population databases (gnomAD no frequency). ClinVar contains an entry for this variant (Variation ID: 1401317). Algorithms developed to predict the effect of missense changes on protein structure and function output the following: SIFT: "Tolerated"; PolyPhen-2: "Benign"; Align-GVGD: "Class C0". The threonine amino acid residue is found in multiple mammalian species, which suggests that this missense change does not adversely affect protein function. In summary, the available evidence is currently insufficient to determine the role of this variant in disease. Therefore, it has been classified as a Variant of Uncertain Significance.

NM_001374259.2(IL12RB2):c.1861G>A (p.Ala621Thr)

Gene: IL12RB2 (interleukin 12 receptor subunit beta 2; plus strand). Cytogenetic location: 1p31.3.
Variant type: single nucleotide variant.
Coding change: c.1861G>A on transcript NM_001374259.2 (MANE Select); coding-DNA position 1861, G replaced by A.
Protein change: p.Ala621Thr; replaces alanine 621 with threonine.
Molecular consequence: missense variant. On other transcripts: non-coding transcript variant (1), intron variant (1).
Genome position (GRCh38, 1-based): chr1:67,386,584, G>A. VCF-style: chr1-67386584-G-A. GRCh37 (hg19) VCF-style: chr1-67852267-G-A.
Other names: c.1603G>A, p.Ala535Thr (NM_001258215.1); c.1861G>A, p.Ala621Thr (NM_001319233.1, NM_001559.3, NM_001258214.1); c.1855+6461G>A (NM_001258216.1); short protein forms A621T, A535T.
Identifiers: ClinVar variation 1401317 (VCV001401317.8), dbSNP rs1665174941, ClinGen allele CA340732973.